The following is an entry in ClinVar:

NM_033087.4(ALG2):c.1239A>C (p.Lys413Asn)

Gene: ALG2 (ALG2 alpha-1,3/1,6-mannosyltransferase; minus strand). Cytogenetic location: 9q22.33.
Variant type: single nucleotide variant.
Coding change: c.1239A>C on transcript NM_033087.4 (MANE Select); coding-DNA position 1239, A replaced by C.
Protein change: p.Lys413Asn; replaces lysine 413 with asparagine.
Molecular consequence: missense variant. On other transcripts: non-coding transcript variant (1).
Genome position (GRCh38, 1-based): chr9:99,217,946, T>G on the plus strand (A>C on the coding strand, the complement: ALG2 is on the minus strand). VCF-style: chr9-99217946-T-G. GRCh37 (hg19) VCF-style: chr9-101980228-T-G.
Other names: short protein forms K413N.
Identifiers: ClinVar variation 1059228 (VCV001059228.9), dbSNP rs1475354932, ClinGen allele CA374224726.

ClinVar aggregate classification (germline): Uncertain significance (1 of 4 stars; one submission).

Conditions:
Congenital myasthenic syndrome 14. Also called: Myasthenic syndrome, congenital, 14, with tubular aggregates. Identifiers: Orphanet 353327, Orphanet 590, MedGen C4015597, MONDO:0014543, OMIM 616228.
Congenital disorder of glycosylation, type Ii. Also called: ALG2-CDG; CDG Ii; ALG2-congenital disorder of glycosylation. Identifiers: Orphanet 79326, MedGen C1842836, MONDO:0011933, OMIM 607906.

Allele frequency attached by ClinVar (database versions not stated): gnomAD 0.00001; TOPMed 0.00001.

Submission:

Labcorp Genetics (formerly Invitae), Labcorp
Classification: Uncertain significance for Congenital disorder of glycosylation, type Ii; Congenital myasthenic syndrome 14. Last evaluated: 2020-05-06. Review status: criteria provided, single submitter. Criteria: Invitae Variant Classification Sherloc (09022015). Collection method: clinical testing. Allele origin: germline.
Comment: In summary, the available evidence is currently insufficient to determine the role of this variant in disease. Therefore, it has been classified as a Variant of Uncertain Significance. Algorithms developed to predict the effect of missense changes on protein structure and function (SIFT, PolyPhen-2, Align-GVGD) all suggest that this variant is likely to be tolerated, but these predictions have not been confirmed by published functional studies and their clinical significance is uncertain. This variant has not been reported in the literature in individuals with ALG2-related conditions. This variant is not present in population databases (ExAC no frequency). This sequence change replaces lysine with asparagine at codon 413 of the ALG2 protein (p.Lys413Asn). The lysine residue is moderately conserved and there is a moderate physicochemical difference between lysine and asparagine.